The following is an entry in ClinVar:

ClinVar aggregate classification (germline): Uncertain significance (1 of 4 stars; one submission).

Allele frequency attached by ClinVar (database versions not stated): gnomAD exomes below 0.00001; gnomAD 0.00001; TOPMed 0.00002.

Submission:

Labcorp Genetics (formerly Invitae), Labcorp
Classification: Uncertain significance. Last evaluated: 2021-04-03. Review status: criteria provided, single submitter. Criteria: Invitae Variant Classification Sherloc (09022015). Collection method: clinical testing. Allele origin: germline.
Comment: This sequence change replaces valine with alanine at codon 355 of the WNT1 protein (p.Val355Ala). The valine residue is highly conserved and there is a small physicochemical difference between valine and alanine. The frequency data for this variant in the population databases is considered unreliable, as metrics indicate insufficient coverage at this position in the ExAC database. This variant has not been reported in the literature in individuals with WNT1-related conditions. Algorithms developed to predict the effect of missense changes on protein structure and function (SIFT, PolyPhen-2, Align-GVGD) all suggest that this variant is likely to be disruptive, but these predictions have not been confirmed by published functional studies and their clinical significance is uncertain. This variant disrupts the p.Val355 amino acid residue in WNT1. Other variant(s) that disrupt this residue have been determined to be pathogenic (PMID: 23434763, 25010833, Invitae). This suggests that this residue is clinically significant, and that variants that disrupt this residue are likely to be disease-causing. In summary, the available evidence is currently insufficient to determine the role of this variant in disease. Therefore, it has been classified as a Variant of Uncertain Significance.

Literature cited by the submitters: PubMed 23434763; PubMed 25010833.

NM_005430.4(WNT1):c.1064T>C (p.Val355Ala)

Gene: WNT1 (Wnt family member 1; plus strand). Cytogenetic location: 12q13.12.
Variant type: single nucleotide variant.
Coding change: c.1064T>C on transcript NM_005430.4 (MANE Select); coding-DNA position 1064, T replaced by C.
Protein change: p.Val355Ala; replaces valine 355 with alanine.
Molecular consequence: missense variant.
Genome position (GRCh38, 1-based): chr12:48,981,591, T>C. VCF-style: chr12-48981591-T-C. GRCh37 (hg19) VCF-style: chr12-49375374-T-C.
Other names: short protein forms V355A.
Identifiers: ClinVar variation 1356902 (VCV001356902.8), dbSNP rs922873456, ClinGen allele CA236608826.